The following is an entry in ClinVar:

NM_001267550.2(TTN):c.53359del (p.Asp17787fs)

Genes: TTN (titin; minus strand), TTN-AS1 (TTN antisense RNA 1; plus strand), LOC126806425 (BRD4-independent group 4 enhancer GRCh37_chr2:179471933-179473132; plus strand). Cytogenetic location: 2q31.2.
Variant type: Deletion.
Coding change: c.53359del on transcript NM_001267550.2 (MANE Select); coding-DNA position 53359, one base deleted (G; older notation c.53359delG).
Protein change: p.Asp17787fs; shifts the reading frame from aspartic acid 17787.
Molecular consequence: frameshift variant.
Genome position (GRCh38, 1-based): chr2:178,607,243, C deleted on the plus strand (G on the coding strand, the reverse complement: TTN is on the minus strand). VCF-style (leftmost placement, unchanged base first): chr2-178607242-TC-T. GRCh37 (hg19) VCF-style: chr2-179471969-TC-T.
Other names: c.48436del, p.Asp16146fs (NM_001256850.1); c.26164del, p.Asp8722fs (NM_003319.4); c.45655del, p.Asp15219fs (NM_133378.4); c.26539del, p.Asp8847fs (NM_133432.3); c.26740del, p.Asp8914fs (NM_133437.4); short protein forms D16146fs, D15219fs, D17787fs, D8722fs, D8847fs, D8914fs.
Identifiers: ClinVar variation 863503 (VCV000863503.10), dbSNP rs2055103568, ClinGen allele CA916081358.
Genomic context (GRCh38, chr2:178,607,242, plus strand): 5'-TTGGCATCTTTTCTTTCAATGATAAAGCCTGTTATTTCACTTCCTCCATCATCTTCTGGA[TC>T]AGACCAGTTAAGTAGACACATTTTTCTGTTTGTTACAACAGGTTTTAAGTCAAGAACTGG-3'

ClinVar aggregate classification (germline): Likely pathogenic (1 of 4 stars; one submission).

Conditions:
Dilated cardiomyopathy 1G (CMD1G). Identifiers: Orphanet 154, MedGen C1858763, MONDO:0011400, OMIM 604145.
Autosomal recessive limb-girdle muscular dystrophy type 2J (LGMDR10). Also called: MUSCULAR DYSTROPHY, LIMB-GIRDLE, AUTOSOMAL RECESSIVE 10; Limb-girdle muscular dystrophy, type 2J. Identifiers: Orphanet 140922, MedGen C1837342, MONDO:0012127, OMIM 608807.

Submission:

Labcorp Genetics (formerly Invitae), Labcorp
Classification: Likely pathogenic for Dilated cardiomyopathy 1G; Autosomal recessive limb-girdle muscular dystrophy type 2J. Last evaluated: 2019-11-13. Review status: criteria provided, single submitter. Criteria: Invitae Variant Classification Sherloc (09022015). Collection method: clinical testing. Allele origin: germline.
Comment: This variant has not been reported in the literature in individuals with TTN-related conditions. This variant is located in the A band of TTN (PMID: 25589632). Truncating variants in this region are significantly overrepresented in patients affected with dilated cardiomyopathy (PMID: 25589632). Truncating variants in this region have also been reported in individuals affected with autosomal recessive centronuclear myopathy (PMID: 23975875). In summary, the currently available evidence indicates that the variant is pathogenic, but additional data are needed to prove that conclusively. Therefore, this variant has been classified as Likely Pathogenic. This variant is not present in population databases (ExAC no frequency). This sequence change results in a premature translational stop signal in the TTN gene (p.Asp17787Ilefs*10). While this is not anticipated to result in nonsense mediated decay, it is expected to create a truncated TTN protein.

Literature cited by the submitters: PubMed 25589632; PubMed 23975875.